The following is an entry in ClinVar:

NM_000552.5(VWF):c.4241T>G (p.Val1414Gly)

Gene: VWF (von Willebrand factor; minus strand). Cytogenetic location: 12p13.31.
Variant type: single nucleotide variant.
Coding change: c.4241T>G on transcript NM_000552.5 (MANE Select); coding-DNA position 4241, T replaced by G.
Protein change: p.Val1414Gly; replaces valine 1414 with glycine.
Molecular consequence: missense variant.
Genome position (GRCh38, 1-based): chr12:6,019,177, A>C on the plus strand (T>G on the coding strand, the complement: VWF is on the minus strand). VCF-style: chr12-6019177-A-C. GRCh37 (hg19) VCF-style: chr12-6128343-A-C.
Other names: NM_000552.5(VWF):c.4241T>G; p.Val1414Gly; c.4241T>G (NM_000552.4); short protein forms V1414G.
Identifiers: ClinVar variation 619752 (VCV000619752.6), dbSNP rs1565831973, ClinGen allele CA383503586.

ClinVar aggregate classification (germline): Uncertain significance. Review status: reviewed by expert panel (3 of 4 stars). 3 submissions from 3 submitters: Uncertain significance (1). 2 of the submissions do not count toward it. Last evaluated 2024-08-13.

Conditions:
Von Willebrand disease type 2A. Identifiers: Orphanet 166084, MedGen C1282968, MONDO:0015628. Inheritance: Autosomal recessive or autosomal dominant.

Submissions (3):

ClinGen von Willebrand Disease Variant Curation Expert Panel, ClinGen
Classification: Uncertain significance for Von Willebrand disease type 2A. Last evaluated: 2024-08-13. Review status: reviewed by expert panel. Criteria: ClinGen VWD 2A B M Rules. Collection method: curation. Allele origin: germline. Inheritance: Autosomal dominant inheritance.
Comment: NM_000552.5(VWF):c.4241T>G is a missense variant in VWF predicted to encode substitution of valine by glycine at amino acid 1263. This variant is absent from gnomAD v4.1 (PM2_Supporting). The computational predictor REVEL gives a score of 0.943, which is above the ClinGen VWD VCEP threshold of >0.644 and predicts a damaging effect on VWF function (PP3). At least 1 patient with this variant displayed excessive mucocutaneous bleeding as well as laboratory phenotypes of very low VWF activity (measured by VWF:RCo), low activity/VWF:Ag ratio, FVIII activity consistent with VWF antigen, low collagen binding, and loss of VWF high molecular weight multimers, which together are highly specific for VWD type 2A. (PP4_moderate, PMID: 28971901, PMID: 29924855 ). This variant is classified as a variant of unknown significance for VWD based on the ACMG/AMP criteria applied, as specified by the ClinGen VWD VCEP: PP4_Moderate, PM2_Supporting, PP3.

Women's Health and Genetics/Laboratory Corporation of America, LabCorp
Classification: Uncertain significance. Last evaluated: 2023-09-08. Review status: criteria provided, single submitter. Criteria: LabCorp Variant Classification Summary - May 2015. Collection method: clinical testing. Allele origin: germline. Not counted in ClinVar's aggregate classification.
Comment: Variant summary: VWF c.4241T>G (p.Val1414Gly) results in a non-conservative amino acid change located in the type A domain (IPR002035) of the encoded protein sequence. Five of five in-silico tools predict a damaging effect of the variant on protein function. The variant was absent in 251146 control chromosomes (gnomAD). c.4241T>G has been reported in the literature in individuals affected with Von Willebrand Disease (e.g., Borras_2017, Perez-Rodriguez_2018, Qi_2022 (abstract, no PMID), VanHelmond_2020 (abstract, no PMID)). These data indicate that the variant may be associated with disease. To our knowledge, no experimental evidence demonstrating an impact on protein function has been reported. The following publications have been ascertained in the context of this evaluation (PMID: 28971901, 29924855). One submitter has reported clinical-significance assessments for this variant to ClinVar after 2014 and has classified the variant as uncertain significance. Based on the evidence outlined above, the variant was classified as VUS-possibly pathogenic.

Quest Diagnostics Nichols Institute San Juan Capistrano
Classification: Uncertain significance. Last evaluated: 2019-04-16. Review status: criteria provided, single submitter. Criteria: Quest Diagnostics criteria. Collection method: clinical testing. Allele origin: germline. Not counted in ClinVar's aggregate classification.

Literature cited by the submitters: PubMed 28971901 (cited by Women's Health and Genetics/Laboratory Corporation of America, LabCorp and Quest Diagnostics Nichols Institute San Juan Capistrano); PubMed 29924855 (cited by Women's Health and Genetics/Laboratory Corporation of America, LabCorp and Quest Diagnostics Nichols Institute San Juan Capistrano).